The following is an entry in ClinVar:

NM_003482.4(KMT2D):c.1000A>G (p.Asn334Asp)

Gene: KMT2D (lysine methyltransferase 2D; minus strand). Cytogenetic location: 12q13.12.
Variant type: single nucleotide variant.
Coding change: c.1000A>G on transcript NM_003482.4 (MANE Select); coding-DNA position 1000, A replaced by G.
Protein change: p.Asn334Asp; replaces asparagine 334 with aspartic acid.
Molecular consequence: missense variant.
Genome position (GRCh38, 1-based): chr12:49,053,027, T>C on the plus strand (A>G on the coding strand, the complement: KMT2D is on the minus strand). VCF-style: chr12-49053027-T-C. GRCh37 (hg19) VCF-style: chr12-49446810-T-C.
Other names: c.1000A>G (NM_003482.3); short protein forms N334D.
Identifiers: ClinVar variation 1517200 (VCV001517200.34), dbSNP rs375948181, ClinGen allele CA6548600.

ClinVar aggregate classification (germline): Benign/Likely benign. Review status: criteria provided, multiple submitters, no conflicts (2 of 4 stars). 3 submissions from 3 submitters: Benign (1); Likely benign (1). 1 of the submissions does not count toward it. Last evaluated 2026-07-01.

Conditions:
KMT2D-related disorder. Also called: KMT2D-Related Disorders.
Kabuki syndrome. Also called: Kabuki make-up syndrome; NIIKAWA-KUROKI SYNDROME. Identifiers: Orphanet 2322, MedGen C0796004, MONDO:0016512.

Allele frequency attached by ClinVar (database versions not stated): gnomAD 0.00003; gnomAD exomes 0.00003 and 0.00005; ExAC 0.00004; TOPMed 0.00004; ESP Exome Variant Server 0.00016.
gnomAD v4.1: 46 of 1,613,926 alleles (0.0029%); highest among the groups gnomAD compares: Non-Finnish European, 0.0038%; no homozygotes.

Submissions (3):

CeGaT Center for Human Genetics Tuebingen
Classification: Likely benign. Last evaluated: 2026-07-01. Review status: criteria provided, single submitter. Criteria: CeGaT Center For Human Genetics Tuebingen Variant Classification Criteria Version 2. Collection method: clinical testing. Allele origin: germline. Affected: yes. Observed: 2 variant alleles.
Comment: KMT2D: BS2

Labcorp Genetics (formerly Invitae), Labcorp
Classification: Benign for Kabuki syndrome. Last evaluated: 2026-01-12. Review status: criteria provided, single submitter. Criteria: Invitae Variant Classification Sherloc (09022015). Collection method: clinical testing. Allele origin: germline.

PreventionGenetics, part of Exact Sciences
Classification: Likely benign for KMT2D-related condition. Last evaluated: 2022-09-07. Review status: no assertion criteria provided. Collection method: clinical testing. Allele origin: germline. Not counted in ClinVar's aggregate classification.
Comment: This variant is classified as likely benign based on ACMG/AMP sequence variant interpretation guidelines (Richards et al. 2015 PMID: 25741868, with internal and published modifications).